The following is an entry in ClinVar:

ClinVar aggregate classification (germline): Uncertain significance (1 of 4 stars; one submission).

Submission:

Dasa
Classification: Uncertain significance. Last evaluated: 2024-08-20. Review status: criteria provided, single submitter. Criteria: DASA Assertion Criteria. Collection method: clinical testing. Allele origin: germline.
Comment: NM_015107.3(PHF8):c.2864C>T (p.Thr955Ile) is a missense variant that results in the substitution of threonine with isoleucine. This variant is absent from population databases. Computational prediction algorithms are consistent with a benign effect. The currently available literature and clinical evidence are not sufficient to establish a definitive association between this variant and the reported condition. Therefore, this variant is classified as a variant of uncertain significance.

NM_015107.3(PHF8):c.2864C>T (p.Thr955Ile)

Gene: PHF8 (PHD finger protein 8; minus strand). Cytogenetic location: Xp11.22.
Variant type: single nucleotide variant.
Coding change: c.2864C>T on transcript NM_015107.3 (MANE Select); coding-DNA position 2864, C replaced by T.
Protein change: p.Thr955Ile; replaces threonine 955 with isoleucine.
Molecular consequence: missense variant.
Genome position (GRCh38, 1-based): chrX:53,940,302, G>A on the plus strand (C>T on the coding strand, the complement: PHF8 is on the minus strand). VCF-style: chrX-53940302-G-A. GRCh37 (hg19) VCF-style: chrX-53966735-G-A.
Other names: c.2972C>T, p.Thr991Ile (NM_001184896.1); c.2561C>T, p.Thr854Ile (NM_001184897.2); c.2669C>T, p.Thr890Ile (NM_001441096.1); short protein forms T854I, T890I, T955I, T991I.
Identifiers: ClinVar variation 4885528 (VCV004885528.2).
Genomic context (GRCh38, chrX:53,940,302, plus strand): 5'-GGGGCCATAGGTGTGGTGCTGCGGTTTGCCTGGGCCATGCCAAAGGCATTGGGACGAGCG[G>A]TGTACTCATGGTCAGCGAGACTTCCTGACAGGGCCTCTTGTTTAGGCTCAGGAGGAGGCA-3'
Protein context (NP_055922.1, residues 945-965): LSGSLADHEY[Thr955Ile]ARPNAFGMAQ